The following is an entry in ClinVar:

ClinVar aggregate classification (germline): Uncertain significance (1 of 4 stars; one submission).

Submission:

GeneDx
Classification: Uncertain significance. Last evaluated: 2014-11-19. Review status: criteria provided, single submitter. Criteria: GeneDx Variant Classification (06012015). Collection method: clinical testing. Allele origin: germline. Affected: yes.
Comment: Missense variants in the TTN gene are considered 'unclassified' if they are not previously reported in the literature and do not have >1% frequency in the population to be considered a polymorphism. Research indicates that truncating mutations in the TTN gene are expected to account for approximately 25% of familial and 18% of sporadic idiopathic DCM; however, truncating variants in the TTN gene have been reported in approximately 3% of reported control alleles. There has been little investigation into non-truncating variants. (Herman D et al. Truncations of titin causing dilated cardiomyopathy. N Eng J Med 366:619-628, 2012) The variant is found in CARDIOMYOPATHY panel(s).

NM_001267550.2(TTN):c.100466C>T (p.Ser33489Phe)

Genes: TTN-AS1 (TTN antisense RNA 1; plus strand), TTN (titin; minus strand). Cytogenetic location: 2q31.2.
Variant type: single nucleotide variant.
Coding change: c.100466C>T on transcript NM_001267550.2 (MANE Select); coding-DNA position 100466, C replaced by T.
Protein change: p.Ser33489Phe; replaces serine 33489 with phenylalanine.
Molecular consequence: missense variant.
Genome position (GRCh38, 1-based): chr2:178,536,281, G>A on the plus strand (C>T on the coding strand, the complement: TTN is on the minus strand). VCF-style: chr2-178536281-G-A. GRCh37 (hg19) VCF-style: chr2-179401008-G-A.
Other names: p.S31848F:TCT>TTT; c.95543C>T, p.Ser31848Phe (NM_001256850.1); c.73271C>T, p.Ser24424Phe (NM_003319.4); c.92762C>T, p.Ser30921Phe (NM_133378.4); c.73646C>T, p.Ser24549Phe (NM_133432.3); c.73847C>T, p.Ser24616Phe (NM_133437.4); short protein forms S31848F, S33489F, S24549F, S24424F, S30921F, S24616F.
Identifiers: ClinVar variation 203057 (VCV000203057.2), dbSNP rs794729557, ClinGen allele CA311109.